The following is an entry in ClinVar:

NM_001374828.1(ARID1B):c.1410C>T (p.Ala470=)

Gene: ARID1B (AT-rich interaction domain 1B; plus strand). Cytogenetic location: 6q25.3.
Variant type: single nucleotide variant.
Coding change: c.1410C>T on transcript NM_001374828.1 (MANE Select); coding-DNA position 1410, C replaced by T.
Protein change: p.Ala470=; no amino-acid change (alanine 470 retained).
Molecular consequence: synonymous variant.
Genome position (GRCh38, 1-based): chr6:156,779,090, C>T. VCF-style: chr6-156779090-C-T. GRCh37 (hg19) VCF-style: chr6-157100224-C-T.
Other names: c.1410C>T, p.Ala470= (NM_001371656.1, NM_001374820.1, NM_017519.3); c.1161C>T (NM_020732.3).
Identifiers: ClinVar variation 1337602 (VCV001337602.9), dbSNP rs1401866270, ClinGen allele CA452989392.

ClinVar aggregate classification (germline): Conflicting classifications of pathogenicity. Review status: criteria provided, conflicting classifications (1 of 4 stars). 3 submissions from 3 submitters: Uncertain significance (1); Likely benign (2). Last evaluated 2023-10-13.

Conditions:
Inborn genetic diseases. Identifiers: MedGen C0950123, MeSH D030342.

Allele frequency attached by ClinVar (database versions not stated): gnomAD 0.00001 and 0.00003; gnomAD exomes 0.00001; 1000 Genomes Project 30x 0.00016.
gnomAD v4.1: 15 of 1,224,924 alleles (0.0012%); highest among the groups gnomAD compares: South Asian, 0.034%; no homozygotes.

Submissions (3):

Labcorp Genetics (formerly Invitae), Labcorp
Classification: Likely benign. Last evaluated: 2023-10-13. Review status: criteria provided, single submitter. Criteria: Invitae Variant Classification Sherloc (09022015). Collection method: clinical testing. Allele origin: germline.

Genetic Services Laboratory, University of Chicago
Classification: Uncertain significance. Last evaluated: 2020-05-08. Review status: criteria provided, single submitter. Criteria: ACMG Guidelines, 2015. Collection method: clinical testing. Allele origin: germline. Affected: no.
Comment: DNA sequence analysis of the ARID1B gene demonstrated a sequence change, c.1161C>T, in exon 1 which does not result in an amino acid change. This sequence change does not appear to have been previously described in patients with ARID1B-related disorders. This is a novel sequence change that is absent from the large population databases such as ExAC and gnomAD (dbSNP rs1401866270). This sequence change is not predicted to have a deleterious effect on splicing based on in silico splice prediction programs. As the c.1161C>T sequence change does not result in a change in the ARID1B amino acid sequence, it is possible that this change is non-pathogenic and represents a benign sequence variant of the ARID1B gene, however functional studies have not been performed to prove this conclusively. The functional significance of this sequence change is not known at present and its contribution to this patient's disease phenotype cannot definitively be determined.

Ambry Genetics
Classification: Likely benign for Inborn genetic diseases. Last evaluated: 2018-02-14. Review status: criteria provided, single submitter. Criteria: Ambry Variant Classification Scheme 2023. Collection method: clinical testing. Allele origin: germline.